The following is an entry in ClinVar:

ClinVar aggregate classification (germline): Pathogenic/Likely pathogenic. Review status: criteria provided, multiple submitters, no conflicts (2 of 4 stars). 3 submissions from 3 submitters: Pathogenic (1); Likely pathogenic (1). 1 of the submissions does not count toward it. Last evaluated 2025-05-28.

Conditions:
Nemaline myopathy 2 (NEM2). Also called: Nemaline myopathy 2, autosomal recessive. Identifiers: MedGen C1850569, MONDO:0009725, OMIM 256030.

Allele frequency attached by ClinVar (database versions not stated): gnomAD exomes 0.00002.
gnomAD v4.1: 22 of 1,609,470 alleles (0.0014%); highest among the groups gnomAD compares: Non-Finnish European, 0.0019%; no homozygotes.

Submissions (3):

Labcorp Genetics (formerly Invitae), Labcorp
Classification: Pathogenic for Nemaline myopathy 2. Last evaluated: 2025-05-28. Review status: criteria provided, single submitter. Criteria: Invitae Variant Classification Sherloc (09022015). Collection method: clinical testing. Allele origin: germline.
Comment: This sequence change creates a premature translational stop signal (p.Glu887*) in the NEB gene. It is expected to result in an absent or disrupted protein product. Loss-of-function variants in NEB are known to be pathogenic (PMID: 25205138). This variant is not present in population databases (gnomAD no frequency). This variant has not been reported in the literature in individuals affected with NEB-related conditions. ClinVar contains an entry for this variant (Variation ID: 557804). For these reasons, this variant has been classified as Pathogenic.

Natera, Inc.
Classification: Likely pathogenic for Nemaline myopathy type 2. Last evaluated: 2025-04-28. Review status: criteria provided, single submitter. Criteria: Natera Variant Classification Schema (03/2026). Collection method: clinical testing. Allele origin: germline.
Comment: The c.2659G>T variant in NEB is a nonsense variant predicted to introduce a stop codon at amino acid 887. This variant is expected to result in nonsense mediated decay, truncation, or a dysfunctional protein product. This variant is rare in the general population with a frequency below the threshold expected for the associated phenotype(s). Given the available evidence, this variant is classified as Likely Pathogenic.

Counsyl
Classification: Likely pathogenic for Nemaline myopathy 2. Last evaluated: 2018-04-09. Review status: no assertion criteria provided. Collection method: clinical testing. Allele origin: unknown. Not counted in ClinVar's aggregate classification.

Literature cited by the submitters: PubMed 25205138 (cited by Labcorp Genetics (formerly Invitae), Labcorp).

NM_001164508.2(NEB):c.2659G>T (p.Glu887Ter)

Gene: NEB (nebulin; minus strand). Cytogenetic location: 2q23.3.
Variant type: single nucleotide variant.
Coding change: c.2659G>T on transcript NM_001164508.2 (MANE Select); coding-DNA position 2659, G replaced by T.
Protein change: p.Glu887Ter; replaces glutamic acid 887 with a stop codon.
Molecular consequence: nonsense.
Genome position (GRCh38, 1-based): chr2:151,684,954, C>A on the plus strand (G>T on the coding strand, the complement: NEB is on the minus strand). VCF-style: chr2-151684954-C-A. GRCh37 (hg19) VCF-style: chr2-152541468-C-A.
Other names: c.2659G>T, p.Glu887Ter (NM_001164507.2, NM_001271208.2, NM_004543.5); short protein forms E887*.
Identifiers: ClinVar variation 557804 (VCV000557804.10), dbSNP rs1553558398, ClinGen allele CA348822452.